The following is an entry in ClinVar:

ClinVar aggregate classification (germline): Uncertain significance. Review status: criteria provided, multiple submitters, no conflicts (2 of 4 stars). 2 submissions from 2 submitters: Uncertain significance (2). Last evaluated 2025-02-03.

Allele frequency attached by ClinVar (database versions not stated): gnomAD exomes 0.00001; gnomAD 0.00004 and 0.00005.
gnomAD v4.1: 29 of 1,610,468 alleles (0.0018%); highest among the groups gnomAD compares: African/African-American, 0.011%; no homozygotes.

Submissions (2):

Labcorp Genetics (formerly Invitae), Labcorp
Classification: Uncertain significance. Last evaluated: 2025-02-03. Review status: criteria provided, single submitter. Criteria: Invitae Variant Classification Sherloc (09022015). Collection method: clinical testing. Allele origin: germline.
Comment: This sequence change replaces arginine, which is basic and polar, with histidine, which is basic and polar, at codon 577 of the RGS9 protein (p.Arg577His). The frequency data for this variant in the population databases is considered unreliable, as metrics indicate poor data quality at this position in the gnomAD database. This variant has not been reported in the literature in individuals affected with RGS9-related conditions. ClinVar contains an entry for this variant (Variation ID: 1410852). An algorithm developed to predict the effect of missense changes on protein structure and function (PolyPhen-2) suggests that this variant is likely to be disruptive. In summary, the available evidence is currently insufficient to determine the role of this variant in disease. Therefore, it has been classified as a Variant of Uncertain Significance.

Blueprint Genetics
Classification: Uncertain significance. Last evaluated: 2023-09-08. Review status: criteria provided, single submitter. Criteria: ACMG Guidelines, 2015. Collection method: clinical testing. Allele origin: germline.

NM_003835.4(RGS9):c.1730G>A (p.Arg577His)

Gene: RGS9 (regulator of G protein signaling 9; plus strand). Cytogenetic location: 17q24.1.
Variant type: single nucleotide variant.
Coding change: c.1730G>A on transcript NM_003835.4 (MANE Select); coding-DNA position 1730, G replaced by A.
Protein change: p.Arg577His; replaces arginine 577 with histidine.
Molecular consequence: missense variant.
Genome position (GRCh38, 1-based): chr17:65,225,324, G>A. VCF-style: chr17-65225324-G-A. GRCh37 (hg19) VCF-style: chr17-63221442-G-A.
Other names: c.1721G>A, p.Arg574His (NM_001081955.3); short protein forms R574H, R577H.
Identifiers: ClinVar variation 1410852 (VCV001410852.5), dbSNP rs866147892, ClinGen allele CA293084366.